The following is an entry in ClinVar:

NM_152594.3(SPRED1):c.1021A>G (p.Arg341Gly)

Gene: SPRED1 (sprouty related EVH1 domain containing 1; plus strand). Cytogenetic location: 15q14.
Variant type: single nucleotide variant.
Coding change: c.1021A>G on transcript NM_152594.3 (MANE Select); coding-DNA position 1021, A replaced by G.
Protein change: p.Arg341Gly; replaces arginine 341 with glycine.
Molecular consequence: missense variant.
Genome position (GRCh38, 1-based): chr15:38,351,350, A>G. VCF-style: chr15-38351350-A-G. GRCh37 (hg19) VCF-style: chr15-38643551-A-G.
Other names: c.1021A>G (NM_152594.2); short protein forms R341G.
Identifiers: ClinVar variation 3606668 (VCV003606668.3).
Genomic context (GRCh38, chr15:38,351,350, plus strand): 5'-AAGAAGTCAAAACGAAGAAAAGAGGATGGTGAACGTTCTCGCTGCGTATACTGCCAGGAA[A>G]GGTTTAATCATGAAGAAAATGTTAGGGGAAAATGTCAGGATGCTCCAGACCCTATTAAAA-3'
Protein context (NP_689807.1, residues 331-351): ERSRCVYCQE[Arg341Gly]FNHEENVRGK

ClinVar aggregate classification (germline): Uncertain significance. Review status: criteria provided, multiple submitters, no conflicts (2 of 4 stars). 2 submissions from 2 submitters: Uncertain significance (2). Last evaluated 2025-02-25.

Conditions:
Legius syndrome. Identifiers: Orphanet 137605, MedGen C1969623, MONDO:0012669, OMIM 611431. Disease mechanism: loss of function.
Cardiovascular phenotype. Identifiers: MedGen CN230736.

gnomAD v4.1: 1 of 1,614,184 alleles (0.000062%); highest among the groups gnomAD compares: Non-Finnish European, 0.000085%; no homozygotes.

Submissions (2):

Ambry Genetics
Classification: Uncertain significance for Cardiovascular phenotype. Last evaluated: 2025-02-25. Review status: criteria provided, single submitter. Criteria: Ambry Variant Classification Scheme 2023. Collection method: clinical testing. Allele origin: germline.
Comment: The p.R341G variant (also known as c.1021A>G), located in coding exon 7 of the SPRED1 gene, results from an A to G substitution at nucleotide position 1021. The arginine at codon 341 is replaced by glycine, an amino acid with dissimilar properties. This amino acid position is conserved. In addition, the in silico prediction for this alteration is inconclusive. Based on the available evidence, the clinical significance of this variant remains unclear.

Labcorp Genetics (formerly Invitae), Labcorp
Classification: Uncertain significance for Legius syndrome. Last evaluated: 2024-02-09. Review status: criteria provided, single submitter. Criteria: Invitae Variant Classification Sherloc (09022015). Collection method: clinical testing. Allele origin: germline.
Comment: This sequence change replaces arginine, which is basic and polar, with glycine, which is neutral and non-polar, at codon 341 of the SPRED1 protein (p.Arg341Gly). This variant is not present in population databases (gnomAD no frequency). This variant has not been reported in the literature in individuals affected with SPRED1-related conditions. Advanced modeling of protein sequence and biophysical properties (such as structural, functional, and spatial information, amino acid conservation, physicochemical variation, residue mobility, and thermodynamic stability) performed at Invitae indicates that this missense variant is not expected to disrupt SPRED1 protein function with a negative predictive value of 80%. In summary, the available evidence is currently insufficient to determine the role of this variant in disease. Therefore, it has been classified as a Variant of Uncertain Significance.